The following is an entry in ClinVar:

NM_001332.4(CTNND2):c.708C>T (p.Ser236=)

Gene: CTNND2 (catenin delta 2; minus strand). Cytogenetic location: 5p15.2.
Variant type: single nucleotide variant.
Coding change: c.708C>T on transcript NM_001332.4 (MANE Select); coding-DNA position 708, C replaced by T.
Protein change: p.Ser236=; no amino-acid change (serine 236 retained).
Molecular consequence: synonymous variant. On other transcripts: intron variant (3).
Genome position (GRCh38, 1-based): chr5:11,385,134, G>A on the plus strand (C>T on the coding strand, the complement: CTNND2 is on the minus strand). VCF-style: chr5-11385134-G-A. GRCh37 (hg19) VCF-style: chr5-11385246-G-A.
Other names: c.435C>T, p.Ser145= (NM_001288715.1); c.-123+11897C>T (NM_001288717.2); c.167-20244C>T (NM_001364128.2, NM_001288716.1).
Identifiers: ClinVar variation 734994 (VCV000734994.12), dbSNP rs766633367, ClinGen allele CA3201029.

ClinVar aggregate classification (germline): Likely benign. Review status: criteria provided, multiple submitters, no conflicts (2 of 4 stars). 3 submissions from 3 submitters: Likely benign (3). Last evaluated 2025-04-01.

Allele frequency attached by ClinVar (database versions not stated): ExAC below 0.00001; 1000 Genomes Project 30x 0.00016; TOPMed 0.00044; gnomAD 0.00045 and 0.00048; gnomAD exomes 0.00095.
gnomAD v4.1: 243 of 1,007,374 alleles (0.024%); highest among the groups gnomAD compares: Middle Eastern, 0.15%; 1 homozygote.

Submissions (3):

CeGaT Center for Human Genetics Tuebingen
Classification: Likely benign. Last evaluated: 2025-04-01. Review status: criteria provided, single submitter. Criteria: CeGaT Center For Human Genetics Tuebingen Variant Classification Criteria Version 2. Collection method: clinical testing. Allele origin: germline. Affected: yes. Observed: 1 variant allele.
Comment: CTNND2: BP4, BP7

GeneDx
Classification: Likely benign. Last evaluated: 2020-11-30. Review status: criteria provided, single submitter. Criteria: GeneDx Variant Classification Process June 2021. Collection method: clinical testing. Allele origin: germline. Affected: yes.

Labcorp Genetics (formerly Invitae), Labcorp
Classification: Likely benign. Last evaluated: 2018-02-17. Review status: criteria provided, single submitter. Criteria: Invitae Variant Classification Sherloc (09022015). Collection method: clinical testing. Allele origin: germline.